The following is an entry in ClinVar:

NM_000489.6(ATRX):c.806A>G (p.His269Arg)

Gene: ATRX (ATRX chromatin remodeler; minus strand). Cytogenetic location: Xq21.1.
Variant type: single nucleotide variant.
Coding change: c.806A>G on transcript NM_000489.6 (MANE Select); coding-DNA position 806, A replaced by G.
Protein change: p.His269Arg; replaces histidine 269 with arginine.
Molecular consequence: missense variant.
Genome position (GRCh38, 1-based): chrX:77,684,450, T>C on the plus strand (A>G on the coding strand, the complement: ATRX is on the minus strand). VCF-style: chrX-77684450-T-C. GRCh37 (hg19) VCF-style: chrX-76939942-T-C.
Other names: c.692A>G, p.His231Arg (NM_138270.5); c.806A>G (NM_000489.3); short protein forms H231R, H269R.
Identifiers: ClinVar variation 1721256 (VCV001721256.6), dbSNP rs2148637625, ClinGen allele CA413720607.

ClinVar aggregate classification (germline): Uncertain significance. Review status: criteria provided, multiple submitters, no conflicts (2 of 4 stars). 2 submissions from 2 submitters: Uncertain significance (2). Last evaluated 2022-10-18.

Conditions:
Alpha thalassemia-X-linked intellectual disability syndrome (ATRX). Also called: ALPHA-THALASSEMIA/MENTAL RETARDATION SYNDROME, X-LINKED; ATR, NONDELETION TYPE; X-linked alpha-thalassemia-mental retardation syndrome; ATR-X syndrome; Alpha thalassemia mental retardation syndrome, nondeletion type, X-linked; XLMR hypotonic face syndrome. Identifiers: Orphanet 847, MedGen C1845055, MONDO:0010519, OMIM 301040.

Submissions (2):

GeneDx
Classification: Uncertain significance. Last evaluated: 2022-10-18. Review status: criteria provided, single submitter. Criteria: GeneDx Variant Classification Process June 2021. Collection method: clinical testing. Allele origin: germline. Affected: yes.
Comment: Not observed at significant frequency in large population cohorts (gnomAD); In silico analysis supports that this missense variant does not alter protein structure/function; Has not been previously published as pathogenic or benign to our knowledge; This variant is associated with the following publications: (PMID: 18409179)

Labcorp Genetics (formerly Invitae), Labcorp
Classification: Uncertain significance for Alpha thalassemia-X-linked intellectual disability syndrome. Last evaluated: 2022-10-08. Review status: criteria provided, single submitter. Criteria: Invitae Variant Classification Sherloc (09022015). Collection method: clinical testing. Allele origin: germline.
Comment: In summary, the available evidence is currently insufficient to determine the role of this variant in disease. Therefore, it has been classified as a Variant of Uncertain Significance. Advanced modeling of protein sequence and biophysical properties (such as structural, functional, and spatial information, amino acid conservation, physicochemical variation, residue mobility, and thermodynamic stability) performed at Invitae indicates that this missense variant is not expected to disrupt ATRX protein function. This variant has not been reported in the literature in individuals affected with ATRX-related conditions. This variant is not present in population databases (gnomAD no frequency). This sequence change replaces histidine, which is basic and polar, with arginine, which is basic and polar, at codon 269 of the ATRX protein (p.His269Arg).